The following is an entry in ClinVar:

ClinVar aggregate classification (germline): Uncertain significance (1 of 4 stars; one submission).

Submission:

GeneDx
Classification: Uncertain significance. Last evaluated: 2024-01-26. Review status: criteria provided, single submitter. Criteria: GeneDx Variant Classification Process June 2021. Collection method: clinical testing. Allele origin: germline. Affected: yes.
Comment: Not observed at significant frequency in large population cohorts (gnomAD); In silico analysis supports that this missense variant has a deleterious effect on protein structure/function; Has not been previously published as pathogenic or benign to our knowledge

NM_014915.3(ANKRD26):c.3791G>T (p.Gly1264Val)

Gene: ANKRD26 (ankyrin repeat domain containing 26; minus strand). Cytogenetic location: 10p12.1.
Variant type: single nucleotide variant.
Coding change: c.3791G>T on transcript NM_014915.3 (MANE Select); coding-DNA position 3791, G replaced by T.
Protein change: p.Gly1264Val; replaces glycine 1264 with valine.
Molecular consequence: missense variant.
Genome position (GRCh38, 1-based): chr10:27,033,241, C>A on the plus strand (G>T on the coding strand, the complement: ANKRD26 is on the minus strand). VCF-style: chr10-27033241-C-A. GRCh37 (hg19) VCF-style: chr10-27322170-C-A.
Other names: c.3788G>T, p.Gly1263Val (NM_001256053.2); short protein forms G1263V, G1264V.
Identifiers: ClinVar variation 3368449 (VCV003368449.1).